The following is an entry in ClinVar:

ClinVar aggregate classification (germline): Uncertain significance (1 of 4 stars; one submission).

Allele frequency attached by ClinVar (database versions not stated): gnomAD exomes below 0.00001; ExAC 0.00001; gnomAD 0.00002; TOPMed 0.00002.
gnomAD v4.1: 4 of 1,613,754 alleles (0.00025%); highest among the groups gnomAD compares: African/African-American, 0.004%; no homozygotes.

Submission:

Labcorp Genetics (formerly Invitae), Labcorp
Classification: Uncertain significance. Last evaluated: 2023-05-25. Review status: criteria provided, single submitter. Criteria: Invitae Variant Classification Sherloc (09022015). Collection method: clinical testing. Allele origin: germline.
Comment: In summary, the available evidence is currently insufficient to determine the role of this variant in disease. Therefore, it has been classified as a Variant of Uncertain Significance. An algorithm developed to predict the effect of missense changes on protein structure and function (PolyPhen-2) suggests that this variant¬†is likely to be tolerated. This variant has not been reported in the literature in individuals affected with PDE2A-related conditions. This variant is present in population databases (rs754760815, gnomAD 0.007%). This sequence change replaces proline, which is neutral and non-polar, with serine, which is neutral and polar, at codon 931 of the PDE2A protein (p.Pro931Ser).

NM_002599.5(PDE2A):c.2791C>T (p.Pro931Ser)

Gene: PDE2A (phosphodiesterase 2A; minus strand). Cytogenetic location: 11q13.4.
Variant type: single nucleotide variant.
Coding change: c.2791C>T on transcript NM_002599.5 (MANE Select); coding-DNA position 2791, C replaced by T.
Protein change: p.Pro931Ser; replaces proline 931 with serine.
Molecular consequence: missense variant.
Genome position (GRCh38, 1-based): chr11:72,577,419, G>A on the plus strand (C>T on the coding strand, the complement: PDE2A is on the minus strand). VCF-style: chr11-72577419-G-A. GRCh37 (hg19) VCF-style: chr11-72288463-G-A.
Other names: c.2770C>T, p.Pro924Ser (NM_001143839.4); c.2764C>T, p.Pro922Ser (NM_001146209.3); c.2728C>T, p.Pro910Ser (NM_001243784.2); short protein forms P922S, P910S, P924S, P931S.
Identifiers: ClinVar variation 2792274 (VCV002792274.1), dbSNP rs754760815, ClinGen allele CA6171757.
Genomic context (GRCh38, chr11:72,577,419, plus strand): 5'-GGCAGGGAAGTGTCCCTGGAGGGGATCACTCAGCATCAAGGCTGCAGCAGCCATTGATGG[G>A]GGCCCTAGTGCCATCCAGATCAGGCACCTCGTACTCCTCATCCAGGAAGTCCAGCGAGTT-3'
Protein context (NP_002590.1, residues 921-941): EVPDLDGTRA[Pro931Ser]INGCCSLDAE